The following is an entry in ClinVar:

ClinVar aggregate classification (germline): Likely benign. Review status: criteria provided, multiple submitters, no conflicts (2 of 4 stars). 3 submissions from 3 submitters: Likely benign (2). 1 of the submissions does not count toward it. Last evaluated 2025-10-13.

Conditions:
MRTFA-related disorder. Also called: MRTFA-related condition.

Allele frequency attached by ClinVar (database versions not stated): gnomAD 0.00006 and 0.00011; gnomAD exomes 0.00013; ExAC 0.00019; 1000 Genomes Project 30x 0.00031; 1000 Genomes Project 0.00040.
gnomAD v4.1: 152 of 1,597,474 alleles (0.0095%); highest among the groups gnomAD compares: Middle Eastern, 0.067%; no homozygotes.

Submissions (3):

Labcorp Genetics (formerly Invitae), Labcorp
Classification: Likely benign. Last evaluated: 2025-10-13. Review status: criteria provided, single submitter. Criteria: Invitae Variant Classification Sherloc (09022015). Collection method: clinical testing. Allele origin: germline.

CeGaT Center for Human Genetics Tuebingen
Classification: Likely benign. Last evaluated: 2022-10-01. Review status: criteria provided, single submitter. Criteria: CeGaT Center For Human Genetics Tuebingen Variant Classification Criteria Version 2. Collection method: clinical testing. Allele origin: germline. Affected: yes. Observed: 1 variant allele.
Comment: MRTFA: BP4, BP7

PreventionGenetics, part of Exact Sciences
Classification: Likely benign for MRTFA-related condition. Last evaluated: 2019-11-20. Review status: no assertion criteria provided. Collection method: clinical testing. Allele origin: germline. Not counted in ClinVar's aggregate classification.
Comment: This variant is classified as likely benign based on ACMG/AMP sequence variant interpretation guidelines (Richards et al. 2015 PMID: 25741868, with internal and published modifications).

NM_020831.6(MRTFA):c.2574C>T (p.Ser858=)

Gene: MRTFA (myocardin related transcription factor A; minus strand). Cytogenetic location: 22q13.1.
Variant type: single nucleotide variant.
Coding change: c.2574C>T on transcript NM_020831.6 (MANE Select); coding-DNA position 2574, C replaced by T.
Protein change: p.Ser858=; no amino-acid change (serine 858 retained).
Molecular consequence: synonymous variant.
Genome position (GRCh38, 1-based): chr22:40,416,990, G>A on the plus strand (C>T on the coding strand, the complement: MRTFA is on the minus strand). VCF-style: chr22-40416990-G-A. GRCh37 (hg19) VCF-style: chr22-40812994-G-A.
Other names: c.2274C>T (NM_020831.4); c.2274C>T, p.Ser758= (NM_001282660.2); c.2424C>T, p.Ser808= (NM_001282661.3); c.2574C>T, p.Ser858= (NM_001282662.3); c.2379C>T, p.Ser793= (NM_001318139.2).
Identifiers: ClinVar variation 1682941 (VCV001682941.33), dbSNP rs141926991, ClinGen allele CA10249291.